The following is an entry in ClinVar:

NM_000751.3(CHRND):c.1403C>T (p.Thr468Ile)

Gene: CHRND (cholinergic receptor nicotinic delta subunit; plus strand). Cytogenetic location: 2q37.1.
Variant type: single nucleotide variant.
Coding change: c.1403C>T on transcript NM_000751.3 (MANE Select); coding-DNA position 1403, C replaced by T.
Protein change: p.Thr468Ile; replaces threonine 468 with isoleucine.
Molecular consequence: missense variant.
Genome position (GRCh38, 1-based): chr2:232,535,161, C>T. VCF-style: chr2-232535161-C-T. GRCh37 (hg19) VCF-style: chr2-233399871-C-T.
Other names: c.1358C>T, p.Thr453Ile (NM_001256657.2); c.821C>T, p.Thr274Ile (NM_001311195.2); c.1100C>T, p.Thr367Ile (NM_001311196.2); short protein forms T468I, T274I, T367I, T453I.
Identifiers: ClinVar variation 570870 (VCV000570870.13), dbSNP rs374459301, ClinGen allele CA66958391.
Genomic context (GRCh38, chr2:232,535,161, plus strand): 5'-CACCCCACTCTCTCTGCCCCTACCCACAGGAGAAAGACAGCTGGAACCGAGTGGCCCGCA[C>T]AGTGGACCGCCTCTGCCTGTTTGTGGTGACGCCTGTCATGGTGGTGGGCACAGCCTGGAT-3'
Protein context (NP_000742.1, residues 458-478): EKDSWNRVAR[Thr468Ile]VDRLCLFVVT

ClinVar aggregate classification (germline): Uncertain significance. Review status: criteria provided, multiple submitters, no conflicts (2 of 4 stars). 2 submissions from 2 submitters: Uncertain significance (2). Last evaluated 2025-08-12.

Conditions:
CHRND-related disorder. Also called: CHRND-related condition; CHRND-Related Disorders.
Lethal multiple pterygium syndrome (LMPS). Identifiers: Orphanet 33108, MedGen C1854678, MONDO:0009668, OMIM 253290.

Allele frequency attached by ClinVar (database versions not stated): TOPMed 0.00001.
gnomAD v4.1: 7 of 1,614,092 alleles (0.00043%); highest among the groups gnomAD compares: Non-Finnish European, 0.00059%; no homozygotes.

Submissions (2):

PreventionGenetics, part of Exact Sciences
Classification: Uncertain significance for CHRND-related condition. Last evaluated: 2025-08-12. Review status: criteria provided, single submitter. Criteria: ACMG Guidelines, 2015. Collection method: clinical testing. Allele origin: germline.
Comment: The CHRND c.1403C>T variant is predicted to result in the amino acid substitution p.Thr468Ile. To our knowledge, this variant has not been reported in the literature. This variant is reported in 0.00088% of alleles in individuals of European (non-Finnish) descent in gnomAD. At this time, the clinical significance of this variant is uncertain due to the absence of conclusive functional and genetic evidence.

Labcorp Genetics (formerly Invitae), Labcorp
Classification: Uncertain significance for Lethal multiple pterygium syndrome. Last evaluated: 2025-06-22. Review status: criteria provided, single submitter. Criteria: Invitae Variant Classification Sherloc (09022015). Collection method: clinical testing. Allele origin: germline.
Comment: This sequence change replaces threonine, which is neutral and polar, with isoleucine, which is neutral and non-polar, at codon 468 of the CHRND protein (p.Thr468Ile). This variant is present in population databases (rs374459301, gnomAD 0.0009%). This variant has not been reported in the literature in individuals affected with CHRND-related conditions. ClinVar contains an entry for this variant (Variation ID: 570870). Invitae Evidence Modeling of protein sequence and biophysical properties (such as structural, functional, and spatial information, amino acid conservation, physicochemical variation, residue mobility, and thermodynamic stability) indicates that this missense variant is not expected to disrupt CHRND protein function with a negative predictive value of 95%. In summary, the available evidence is currently insufficient to determine the role of this variant in disease. Therefore, it has been classified as a Variant of Uncertain Significance.